The following is an entry in ClinVar:

ClinVar aggregate classification (germline): Conflicting classifications of pathogenicity. Review status: criteria provided, conflicting classifications (1 of 4 stars). 4 submissions from 4 submitters: Likely pathogenic (1); Uncertain significance (2). 1 of the submissions does not count toward it. Last evaluated 2026-07-01.

Conditions:
TSPEAR-related disorder. Also called: TSPEAR-related condition.
Tooth agenesis, selective, 10 (STHAG10). Identifiers: MedGen C5774277, MONDO:0859339, OMIM 620173.
Ectodermal dysplasia 14, hair/tooth type with or without hypohidrosis. Identifiers: Orphanet 685067, MedGen C4748560, MONDO:0032584, OMIM 618180.

Allele frequency attached by ClinVar (database versions not stated): gnomAD exomes 0.00002; gnomAD 0.00003; TOPMed 0.00007; ESP Exome Variant Server 0.00008; ExAC 0.00010; 1000 Genomes Project 0.00020; 1000 Genomes Project 30x 0.00031.
gnomAD v4.1: 38 of 1,614,050 alleles (0.0024%); highest among the groups gnomAD compares: Admixed American, 0.023%; no homozygotes.

Submissions (4):

Lupski Lab, Baylor-Hopkins CMG, Baylor College of Medicine
Classification: Likely pathogenic for Ectodermal dysplasia 14, hair/tooth type with or without hypohidrosis. Last evaluated: 2026-07-01. Review status: criteria provided, single submitter. Criteria: ACMG Guidelines, 2015. Collection method: research. Allele origin: paternal, maternal, germline. Inheritance: Autosomal recessive inheritance. Affected: yes and no. Observed: 3 variant alleles, 1 heterozygote, 2 compound heterozygotes. Clinical features observed: Hyperpigmentation of the skin (HP:0000953), Atopic eczema (HP:0001047), Abnormal toenail morphology (HP:0008388), Abnormal fingernail morphology (HP:0001231), Tooth agenesis (HP:0009804), Hypodontia (HP:0000668), Small, conical teeth (HP:0200141), Abnormal dental morphology (HP:0006482), Irregular dentition (HP:0040079), Microdontia (HP:0000691), Abnormal sweat gland morphology (HP:0000971), Heat intolerance (HP:0002046).
Comment: This variant has also been independently identified in an affected individual with ectodermal dysplasia type 14 in an unrelated family, where it was observed in the compound heterozygous state with p.Asp639Asn (PMID:34042254) (PM3_Moderate= +2pts). This variant is at extremely low allele frequency in gnomAD (PM2_Supporting= +1pt). This is a different amino acid change as a known pathogenic variant (chr21:44525659:G>A) (PM5_Moderate= +2pts). Computational tools support a deleterious effect on the gene (Franklin, Aggregated score: 0.703) (PP3_Supporting= +1pt). The variant is located in exon 8, within the EAR repeat region of TSPEAR (exons 7–12), which has been reported to be enriched for missense variants and relatively intolerant to variation based on sub-RVIS scoring (PMID:34042254) (PM1_Supporting= +1pt). 7 pts (PM3 +2, PM2 +1, PM5 +2, PP3 +1, PM1 +1).

PreventionGenetics, part of Exact Sciences
Classification: Uncertain significance for TSPEAR-related condition. Last evaluated: 2026-04-25. Review status: criteria provided, single submitter. Criteria: ACMG Guidelines, 2015. Collection method: clinical testing. Allele origin: germline.
Comment: The TSPEAR c.1331G>A variant is predicted to result in the amino acid substitution p.Arg444Gln. This variant was reported along with a truncating or missense variant in two individuals with tooth agenesis (Bowles et al. 2021. PubMed ID: 34042254). This variant is reported in 0.040% of alleles in individuals of Latino descent in gnomAD. At this time, the clinical significance of this variant is uncertain due to the absence of conclusive functional and genetic evidence.

Labcorp Genetics (formerly Invitae), Labcorp
Classification: Uncertain significance. Last evaluated: 2026-01-18. Review status: criteria provided, single submitter. Criteria: Invitae Variant Classification Sherloc (09022015). Collection method: clinical testing. Allele origin: germline.
Comment: This sequence change replaces arginine, which is basic and polar, with glutamine, which is neutral and polar, at codon 444 of the TSPEAR protein (p.Arg444Gln). This variant is present in population databases (rs146014044, gnomAD 0.04%). This missense change has been observed in individual(s) with clinical features of ectodermal dysplasia (PMID: 34042254). ClinVar contains an entry for this variant (Variation ID: 1806395). Invitae Evidence Modeling of protein sequence and biophysical properties (such as structural, functional, and spatial information, amino acid conservation, physicochemical variation, residue mobility, and thermodynamic stability) has been performed for this missense variant. However, the output from this modeling did not meet the statistical confidence thresholds required to predict the impact of this variant on TSPEAR protein function. In summary, the available evidence is currently insufficient to determine the role of this variant in disease. Therefore, it has been classified as a Variant of Uncertain Significance.

OMIM
Classification: Pathogenic for TOOTH AGENESIS, SELECTIVE, 10. Last evaluated: 2022-12-20. Review status: no assertion criteria provided. Collection method: literature only. Allele origin: germline. Not counted in ClinVar's aggregate classification.

Literature cited by the submitters: PubMed 34042254 (cited by 3 submitters).

NM_144991.3(TSPEAR):c.1331G>A (p.Arg444Gln)

Gene: TSPEAR (thrombospondin type laminin G domain and EAR repeats; minus strand). Cytogenetic location: 21q22.3.
Variant type: single nucleotide variant.
Coding change: c.1331G>A on transcript NM_144991.3 (MANE Select); coding-DNA position 1331, G replaced by A.
Protein change: p.Arg444Gln; replaces arginine 444 with glutamine.
Molecular consequence: missense variant.
Genome position (GRCh38, 1-based): chr21:44,525,658, C>T on the plus strand (G>A on the coding strand, the complement: TSPEAR is on the minus strand). VCF-style: chr21-44525658-C-T. GRCh37 (hg19) VCF-style: chr21-45945541-C-T.
Other names: c.1127G>A, p.Arg376Gln (NM_001272037.2); short protein forms R444Q, R376Q.
Identifiers: ClinVar variation 1806395 (VCV001806395.8), dbSNP rs146014044, ClinGen allele CA10056639.